The following is an entry in ClinVar:

NM_014252.4(SLC25A15):c.294G>A (p.Leu98=)

Gene: SLC25A15 (solute carrier family 25 member 15; plus strand). Cytogenetic location: 13q14.11.
Variant type: single nucleotide variant.
Coding change: c.294G>A on transcript NM_014252.4 (MANE Select); coding-DNA position 294, G replaced by A.
Protein change: p.Leu98=; no amino-acid change (leucine 98 retained).
Molecular consequence: synonymous variant. On other transcripts: non-coding transcript variant (2).
Genome position (GRCh38, 1-based): chr13:40,799,295, G>A. VCF-style: chr13-40799295-G-A. GRCh37 (hg19) VCF-style: chr13-41373431-G-A.
Identifiers: ClinVar variation 2166402 (VCV002166402.6), dbSNP rs763267150, ClinGen allele CA6959669.
Genomic context (GRCh38, chr13:40,799,295, plus strand): 5'-CTCAGTCCTCTTCATGTGCTACGGCTTCTGCCAGCAGGTGGTGCGGAAAGTGGCTGGATT[G>A]GACAAGCAGGCAAAGCTGAGGTGAGTCAAGGACACACACTTTTTTTATTTGTTTAAAAAA-3'
Protein context (NP_055067.1, residues 88-108): CQQVVRKVAG[Leu98=]DKQAKLSDLQ

ClinVar aggregate classification (germline): Likely benign. Review status: criteria provided, single submitter (1 of 4 stars). 2 submissions from 2 submitters: Likely benign (1). 1 of the submissions does not count toward it. Last evaluated 2024-01-11.

Conditions:
SLC25A15-related disorder. Also called: SLC25A15-related condition.
Hyperornithinemia-hyperammonemia-homocitrullinuria syndrome (HHHS). Also called: Ornithine translocase deficiency; HHH SYNDROME. Identifiers: Orphanet 415, MedGen C0268540, MONDO:0009393, OMIM 238970.

Allele frequency attached by ClinVar (database versions not stated): gnomAD exomes below 0.00001; ExAC 0.00001.
gnomAD v4.1: 2 of 1,614,130 alleles (0.00012%); highest among the groups gnomAD compares: Admixed American, 0.0033%; no homozygotes.

Submissions (2):

Labcorp Genetics (formerly Invitae), Labcorp
Classification: Likely benign for Hyperornithinemia-hyperammonemia-homocitrullinuria syndrome. Last evaluated: 2024-01-11. Review status: criteria provided, single submitter. Criteria: Invitae Variant Classification Sherloc (09022015). Collection method: clinical testing. Allele origin: germline.

PreventionGenetics, part of Exact Sciences
Classification: Likely benign for SLC25A15-related condition. Last evaluated: 2022-04-23. Review status: no assertion criteria provided. Collection method: clinical testing. Allele origin: germline. Not counted in ClinVar's aggregate classification.
Comment: This variant is classified as likely benign based on ACMG/AMP sequence variant interpretation guidelines (Richards et al. 2015 PMID: 25741868, with internal and published modifications).